The following is an entry in ClinVar:

ClinVar aggregate classification (germline): Likely benign (1 of 4 stars; one submission).

Conditions:
Tuberous sclerosis syndrome (TSC). Also called: Tuberous Sclerosis Complex; Tuberous sclerosis. Identifiers: Orphanet 805, MedGen C0041341, MONDO:0001734.

Submission:

All of Us Research Program, National Institutes of Health
Classification: Likely benign for Tuberous sclerosis syndrome. Last evaluated: 2023-10-27. Review status: criteria provided, single submitter. Criteria: ACMG Guidelines, 2015. Collection method: clinical testing. Allele origin: germline. Inheritance: Autosomal dominant inheritance. Observed: 1 variant allele, 1 heterozygote.
Comment: This study involves interpretation of variants in research participants for the purpose of population health screening. Participant phenotype was not available at the time of variant classification. Additional details can be found in publication PMID: 35346344, PMCID: PMC8962531

NM_000548.5(TSC2):c.1002G>T (p.Val334=)

Gene: TSC2 (TSC complex subunit 2; plus strand). Cytogenetic location: 16p13.3.
Variant type: single nucleotide variant.
Coding change: c.1002G>T on transcript NM_000548.5 (MANE Select); coding-DNA position 1002, G replaced by T.
Protein change: p.Val334=; no amino-acid change (valine 334 retained).
Molecular consequence: synonymous variant. On other transcripts: 5 prime UTR variant (10), non-coding transcript variant (5).
Genome position (GRCh38, 1-based): chr16:2,060,696, G>T. VCF-style: chr16-2060696-G-T. GRCh37 (hg19) VCF-style: chr16-2110697-G-T.
Other names: c.1002G>T, p.Val334= (NM_001077183.3, NM_001114382.3, NM_001363528.2 and 6 more transcripts); c.891G>T, p.Val297= (NM_001318827.2, NM_001406670.1, NM_001406678.1); c.855G>T, p.Val285= (NM_001318829.2, NM_001406675.1, NM_001406676.1 and 1 more transcripts); c.402G>T, p.Val134= (NM_001318831.2, NM_001406680.1, NM_001406682.1 and 6 more transcripts); c.1035G>T, p.Val345= (NM_001318832.2); c.1092G>T, p.Val364= (NM_001406667.1, NM_001406668.1); c.990G>T, p.Val330= (NM_001406671.1, NM_001406673.1); c.945G>T, p.Val315= (NM_001406677.1); and 4 more.
Identifiers: ClinVar variation 3074167 (VCV003074167.1), dbSNP rs2151135280, ClinGen allele CA492960635.